The following is an entry in ClinVar:

ClinVar aggregate classification (germline): Benign/Likely benign. Review status: criteria provided, multiple submitters, no conflicts (2 of 4 stars). 6 submissions from 6 submitters: Benign (1); Likely benign (3). 2 of the submissions do not count toward it. Last evaluated 2025-06-04.

Allele frequency attached by ClinVar (database versions not stated): 1000 Genomes Project 0.00120; 1000 Genomes Project 30x 0.00141; gnomAD 0.00218 and 0.00224; TOPMed 0.00223; ExAC 0.00261; ESP Exome Variant Server 0.00300.
gnomAD v4.1: 4,691 of 1,614,168 alleles (0.29%); highest among the groups gnomAD compares: Non-Finnish European, 0.35%; 11 homozygotes.

Submissions (6):

Women's Health and Genetics/Laboratory Corporation of America, LabCorp
Classification: Likely benign. Last evaluated: 2025-06-04. Review status: criteria provided, single submitter. Criteria: LabCorp Variant Classification Summary - May 2015. Collection method: clinical testing. Allele origin: germline.

CeGaT Center for Human Genetics Tuebingen
Classification: Likely benign. Last evaluated: 2024-05-01. Review status: criteria provided, single submitter. Criteria: CeGaT Center For Human Genetics Tuebingen Variant Classification Criteria Version 2. Collection method: clinical testing. Allele origin: germline. Affected: yes. Observed: 5 variant alleles.
Comment: DGAT2: BS2

Mayo Clinic Laboratories, Mayo Clinic
Classification: Benign. Last evaluated: 2023-03-15. Review status: criteria provided, single submitter. Criteria: ACMG Guidelines, 2015. Collection method: clinical testing. Allele origin: germline. Observed: 7 variant alleles.
Comment: BS1, BS2

Breakthrough Genomics
Classification: Likely benign. Review status: criteria provided, single submitter. Criteria: ACMG Guidelines, 2015. Collection method: not provided. Allele origin: germline. Inheritance: Unknown mechanism. Affected: yes.

Clinical Genetics, Academic Medical Center
Classification: Likely benign. Review status: no assertion criteria provided. Collection method: clinical testing. Allele origin: germline. Affected: yes. Study: VKGL Data-share Consensus. Not counted in ClinVar's aggregate classification.

Genome Diagnostics Laboratory, University Medical Center Utrecht
Classification: Likely benign. Review status: no assertion criteria provided. Collection method: clinical testing. Allele origin: germline. Affected: yes. Study: VKGL Data-share Consensus. Not counted in ClinVar's aggregate classification.

NM_032564.5(DGAT2):c.890G>A (p.Arg297Gln)

Gene: DGAT2 (diacylglycerol O-acyltransferase 2; plus strand). Cytogenetic location: 11q13.5.
Variant type: single nucleotide variant.
Coding change: c.890G>A on transcript NM_032564.5 (MANE Select); coding-DNA position 890, G replaced by A.
Protein change: p.Arg297Gln; replaces arginine 297 with glutamine.
Molecular consequence: missense variant.
Genome position (GRCh38, 1-based): chr11:75,798,307, G>A. VCF-style: chr11-75798307-G-A. GRCh37 (hg19) VCF-style: chr11-75509352-G-A.
Other names: p.Arg297Gln; c.761G>A, p.Arg254Gln (NM_001253891.2); short protein forms R254Q, R297Q.
Identifiers: ClinVar variation 1284806 (VCV001284806.36), dbSNP rs140793537, ClinGen allele CA6192157.